The following is an entry in ClinVar:

NM_000337.6(SGCD):c.19T>C (p.Tyr7His)

Gene: SGCD (sarcoglycan delta; plus strand). Cytogenetic location: 5q33.3.
Variant type: single nucleotide variant.
Coding change: c.19T>C on transcript NM_000337.6 (MANE Select); coding-DNA position 19, T replaced by C.
Protein change: p.Tyr7His; replaces tyrosine 7 with histidine.
Molecular consequence: missense variant.
Genome position (GRCh38, 1-based): chr5:156,344,504, T>C. VCF-style: chr5-156344504-T-C. GRCh37 (hg19) VCF-style: chr5-155771514-T-C.
Other names: c.16T>C, p.Tyr6His (NM_001128209.2); c.19T>C, p.Tyr7His (NM_172244.3); short protein forms Y7H, Y6H.
Identifiers: ClinVar variation 565451 (VCV000565451.9), dbSNP rs1561633494, ClinGen allele CA362007527.

ClinVar aggregate classification (germline): Uncertain significance. Review status: criteria provided, multiple submitters, no conflicts (2 of 4 stars). 2 submissions from 2 submitters: Uncertain significance (2). Last evaluated 2022-12-25.

Conditions:
Autosomal recessive limb-girdle muscular dystrophy type 2F (LGMDR6). Also called: MUSCULAR DYSTROPHY, LIMB-GIRDLE, AUTOSOMAL RECESSIVE 6; Muscular dystrophy limb-girdle with delta-sarcoglyan deficiency. Identifiers: Orphanet 219, MedGen C1832525, MONDO:0011028, OMIM 601287. Disease mechanism: Affects gamma-sarcoglycan and also disrupts the integrity of the entire sarcoglycan complex..
Inborn genetic diseases. Identifiers: MedGen C0950123, MeSH D030342.

Allele frequency attached by ClinVar (database versions not stated): gnomAD exomes below 0.00001; TOPMed below 0.00001; gnomAD 0.00001.
gnomAD v4.1: 3 of 1,603,552 alleles (0.00019%); highest among the groups gnomAD compares: Non-Finnish European, 0.00026%; no homozygotes.

Submissions (2):

Ambry Genetics
Classification: Uncertain significance for Inborn genetic diseases. Last evaluated: 2022-12-25. Review status: criteria provided, single submitter. Criteria: Ambry Variant Classification Scheme 2023. Collection method: clinical testing. Allele origin: germline.
Comment: The p.Y7H variant (also known as c.19T>C), located in coding exon 2 of the SGCD gene, results from a T to C substitution at nucleotide position 19. The tyrosine at codon 7 is replaced by histidine, an amino acid with similar properties. This amino acid position is conserved. In addition, the in silico prediction for this alteration is inconclusive. Since supporting evidence is limited at this time, the clinical significance of this alteration remains unclear.

Labcorp Genetics (formerly Invitae), Labcorp
Classification: Uncertain significance for Autosomal recessive limb-girdle muscular dystrophy type 2F. Last evaluated: 2022-07-25. Review status: criteria provided, single submitter. Criteria: Invitae Variant Classification Sherloc (09022015). Collection method: clinical testing. Allele origin: germline.
Comment: This sequence change replaces tyrosine, which is neutral and polar, with histidine, which is basic and polar, at codon 7 of the SGCD protein (p.Tyr7His). This variant is not present in population databases (gnomAD no frequency). This variant has not been reported in the literature in individuals affected with SGCD-related conditions. ClinVar contains an entry for this variant (Variation ID: 565451). Algorithms developed to predict the effect of missense changes on protein structure and function are either unavailable or do not agree on the potential impact of this missense change (SIFT: "Tolerated"; PolyPhen-2: "Possibly Damaging"; Align-GVGD: "Class C0"). In summary, the available evidence is currently insufficient to determine the role of this variant in disease. Therefore, it has been classified as a Variant of Uncertain Significance.